The following is an entry in ClinVar:

NM_031935.3(HMCN1):c.11000G>A (p.Arg3667Gln)

Gene: HMCN1 (hemicentin 1; plus strand). Cytogenetic location: 1q31.1.
Variant type: single nucleotide variant.
Coding change: c.11000G>A on transcript NM_031935.3 (MANE Select); coding-DNA position 11000, G replaced by A.
Protein change: p.Arg3667Gln; replaces arginine 3667 with glutamine.
Molecular consequence: missense variant.
Genome position (GRCh38, 1-based): chr1:186,112,822, G>A. VCF-style: chr1-186112822-G-A. GRCh37 (hg19) VCF-style: chr1-186081954-G-A.
Other names: c.11000G>A (NM_031935.2); short protein forms R3667Q.
Identifiers: ClinVar variation 1897252 (VCV001897252.6), dbSNP rs1454609721, ClinGen allele CA343939554.

ClinVar aggregate classification (germline): Uncertain significance. Review status: criteria provided, multiple submitters, no conflicts (2 of 4 stars). 2 submissions from 2 submitters: Uncertain significance (2). Last evaluated 2025-07-16.

Allele frequency attached by ClinVar (database versions not stated): gnomAD exomes 0.00001.
gnomAD v4.1: 9 of 1,614,082 alleles (0.00056%); highest among the groups gnomAD compares: African/African-American, 0.0013%; no homozygotes.

Submissions (2):

Ambry Genetics
Classification: Uncertain significance. Last evaluated: 2025-07-16. Review status: criteria provided, single submitter. Criteria: Ambry Variant Classification Scheme 2023. Collection method: clinical testing. Allele origin: germline.

Labcorp Genetics (formerly Invitae), Labcorp
Classification: Uncertain significance. Last evaluated: 2023-11-19. Review status: criteria provided, single submitter. Criteria: Invitae Variant Classification Sherloc (09022015). Collection method: clinical testing. Allele origin: germline.
Comment: This sequence change replaces arginine, which is basic and polar, with glutamine, which is neutral and polar, at codon 3667 of the HMCN1 protein (p.Arg3667Gln). This variant is present in population databases (no rsID available, gnomAD 0.0009%). This variant has not been reported in the literature in individuals affected with HMCN1-related conditions. ClinVar contains an entry for this variant (Variation ID: 1897252). An algorithm developed to predict the effect of missense changes on protein structure and function (PolyPhen-2) suggests that this variant is likely to be disruptive. In summary, the available evidence is currently insufficient to determine the role of this variant in disease. Therefore, it has been classified as a Variant of Uncertain Significance.